The following is an entry in ClinVar:

NM_003119.4(SPG7):c.1768G>T (p.Ala590Ser)

Gene: SPG7 (SPG7 matrix AAA peptidase subunit, paraplegin; plus strand). Cytogenetic location: 16q24.3.
Variant type: single nucleotide variant.
Coding change: c.1768G>T on transcript NM_003119.4 (MANE Select); coding-DNA position 1768, G replaced by T.
Protein change: p.Ala590Ser; replaces alanine 590 with serine.
Molecular consequence: missense variant.
Genome position (GRCh38, 1-based): chr16:89,550,598, G>T. VCF-style: chr16-89550598-G-T. GRCh37 (hg19) VCF-style: chr16-89617006-G-T.
Other names: c.1768G>T, p.Ala590Ser (NM_001363850.1); short protein forms A590S.
Identifiers: ClinVar variation 3626868 (VCV003626868.2).

ClinVar aggregate classification (germline): Uncertain significance (1 of 4 stars; one submission).

Conditions:
Hereditary spastic paraplegia 7 (SPG7). Also called: SPASTIC PARAPLEGIA 7, AUTOSOMAL RECESSIVE, WITH OR WITHOUT CEREBELLAR ATAXIA; SPG7-related neurologic disorder; Spastic paraplegia 7; Hereditary spastic paraplegia Paraplegin type; Autosomal recessive spastic paraplegia type 7. Identifiers: Orphanet 99013, MedGen C1846564, MONDO:0011803, OMIM 607259.

gnomAD v4.1: 1 of 1,612,870 alleles (0.000062%); highest among the groups gnomAD compares: African/African-American, 0.0013%; no homozygotes.

Submission:

Labcorp Genetics (formerly Invitae), Labcorp
Classification: Uncertain significance for Hereditary spastic paraplegia 7. Last evaluated: 2025-01-07. Review status: criteria provided, single submitter. Criteria: Invitae Variant Classification Sherloc (09022015). Collection method: clinical testing. Allele origin: germline.
Comment: This sequence change replaces alanine, which is neutral and non-polar, with serine, which is neutral and polar, at codon 590 of the SPG7 protein (p.Ala590Ser). This variant is not present in population databases (gnomAD no frequency). This variant has not been reported in the literature in individuals affected with SPG7-related conditions. Invitae Evidence Modeling of protein sequence and biophysical properties (such as structural, functional, and spatial information, amino acid conservation, physicochemical variation, residue mobility, and thermodynamic stability) indicates that this missense variant is not expected to disrupt SPG7 protein function with a negative predictive value of 80%. In summary, the available evidence is currently insufficient to determine the role of this variant in disease. Therefore, it has been classified as a Variant of Uncertain Significance.